The following is an entry in ClinVar:

NM_001018115.3(FANCD2):c.3418G>A (p.Val1140Ile)

Genes: FANCD2 (FA complementation group D2; plus strand), FANCD2OS (FANCD2 opposite strand; minus strand). Cytogenetic location: 3p25.3.
Variant type: single nucleotide variant.
Coding change: c.3418G>A on transcript NM_001018115.3 (MANE Select); coding-DNA position 3418, G replaced by A.
Protein change: p.Val1140Ile; replaces valine 1140 with isoleucine.
Molecular consequence: missense variant. On other transcripts: intron variant (1).
Genome position (GRCh38, 1-based): chr3:10,087,216, G>A. VCF-style: chr3-10087216-G-A. GRCh37 (hg19) VCF-style: chr3-10128900-G-A.
Other names: c.3418G>A, p.Val1140Ile (NM_001319984.2, NM_001374254.1, NM_033084.6); c.3307G>A, p.Val1103Ile (NM_001374253.1); c.*44-5685C>T (NM_173472.2); short protein forms V1140I, V1103I.
Identifiers: ClinVar variation 407783 (VCV000407783.8), dbSNP rs988476435, ClinGen allele CA16611049.

ClinVar aggregate classification (germline): Uncertain significance. Review status: criteria provided, multiple submitters, no conflicts (2 of 4 stars). 2 submissions from 2 submitters: Uncertain significance (2). Last evaluated 2022-05-25.

Conditions:
Fanconi anemia complementation group D2. Also called: FANCD2-Related Fanconi Anemia; FANCONI PANCYTOPENIA, TYPE 4; FANCONI ANEMIA, COMPLEMENTATION GROUP D. Identifiers: Orphanet 84, MedGen C3160738, MONDO:0009214, OMIM 227646.
Fanconi anemia (FA). Also called: Fanconi's anemia. Identifiers: Orphanet 84, MedGen C0015625, MeSH D005199, MONDO:0019391.

Allele frequency attached by ClinVar (database versions not stated): TOPMed 0.00001; gnomAD 0.00001.
gnomAD v4.1: 2 of 1,609,640 alleles (0.00012%); highest among the groups gnomAD compares: African/African-American, 0.0027%; no homozygotes.

Submissions (2):

Fulgent Genetics
Classification: Uncertain significance for Fanconi anemia complementation group D2. Last evaluated: 2022-05-25. Review status: criteria provided, single submitter. Criteria: ACMG Guidelines, 2015. Collection method: clinical testing. Allele origin: unknown.

Labcorp Genetics (formerly Invitae), Labcorp
Classification: Uncertain significance for Fanconi anemia. Last evaluated: 2021-09-02. Review status: criteria provided, single submitter. Criteria: Invitae Variant Classification Sherloc (09022015). Collection method: clinical testing. Allele origin: germline.
Comment: This sequence change replaces valine with isoleucine at codon 1140 of the FANCD2 protein (p.Val1140Ile). The valine residue is weakly conserved and there is a small physicochemical difference between valine and isoleucine. This variant is not present in population databases (ExAC no frequency). This variant has not been reported in the literature in individuals affected with FANCD2-related conditions. ClinVar contains an entry for this variant (Variation ID: 407783). Algorithms developed to predict the effect of missense changes on protein structure and function are either unavailable or do not agree on the potential impact of this missense change (SIFT: "Tolerated"; PolyPhen-2: "Possibly Damaging"; Align-GVGD: "Class C0"). In summary, the available evidence is currently insufficient to determine the role of this variant in disease. Therefore, it has been classified as a Variant of Uncertain Significance.